The following is an entry in ClinVar:

NM_004655.4(AXIN2):c.720G>C (p.Lys240Asn)

Gene: AXIN2 (axin 2; minus strand). Cytogenetic location: 17q24.1.
Variant type: single nucleotide variant.
Coding change: c.720G>C on transcript NM_004655.4 (MANE Select); coding-DNA position 720, G replaced by C.
Protein change: p.Lys240Asn; replaces lysine 240 with asparagine.
Molecular consequence: missense variant.
Genome position (GRCh38, 1-based): chr17:65,557,901, C>G on the plus strand (G>C on the coding strand, the complement: AXIN2 is on the minus strand). VCF-style: chr17-65557901-C-G. GRCh37 (hg19) VCF-style: chr17-63554019-C-G.
Other names: c.720G>C, p.Lys240Asn (NM_001363813.1); c.720G>C (NM_004655.3); short protein forms K240N.
Identifiers: ClinVar variation 1014144 (VCV001014144.11), dbSNP rs1372561560, ClinGen allele CA400680409.

ClinVar aggregate classification (germline): Uncertain significance. Review status: criteria provided, multiple submitters, no conflicts (2 of 4 stars). 2 submissions from 2 submitters: Uncertain significance (2). Last evaluated 2024-10-12.

Conditions:
Hereditary cancer-predisposing syndrome. Also called: Hereditary Cancer Syndrome; Tumor predisposition; Neoplastic Syndromes, Hereditary; Hereditary neoplastic syndrome. Identifiers: Orphanet 140162, MedGen C0027672, MeSH D009386, MONDO:0015356.
Oligodontia-cancer predisposition syndrome. Also called: TOOTH AGENESIS-COLORECTAL CANCER SYNDROME. Identifiers: Orphanet 300576, MedGen C1837750, MONDO:0012075, OMIM 608615. Disease mechanism: loss of function.

Allele frequency attached by ClinVar (database versions not stated): TOPMed 0.00001.

Submissions (2):

Ambry Genetics
Classification: Uncertain significance for Hereditary cancer-predisposing syndrome. Last evaluated: 2024-10-12. Review status: criteria provided, single submitter. Criteria: Ambry Variant Classification Scheme 2023. Collection method: clinical testing. Allele origin: germline.
Comment: The p.K240N variant (also known as c.720G>C), located in coding exon 1 of the AXIN2 gene, results from a G to C substitution at nucleotide position 720. The lysine at codon 240 is replaced by asparagine, an amino acid with similar properties. This amino acid position is conserved. In addition, this alteration is predicted to be tolerated by in silico analysis. Based on the available evidence, the clinical significance of this variant remains unclear.

Labcorp Genetics (formerly Invitae), Labcorp
Classification: Uncertain significance for Oligodontia-cancer predisposition syndrome. Last evaluated: 2024-08-01. Review status: criteria provided, single submitter. Criteria: Invitae Variant Classification Sherloc (09022015). Collection method: clinical testing. Allele origin: germline.
Comment: This sequence change replaces lysine, which is basic and polar, with asparagine, which is neutral and polar, at codon 240 of the AXIN2 protein (p.Lys240Asn). This variant is not present in population databases (gnomAD no frequency). This variant has not been reported in the literature in individuals affected with AXIN2-related conditions. ClinVar contains an entry for this variant (Variation ID: 1014144). Advanced modeling of protein sequence and biophysical properties (such as structural, functional, and spatial information, amino acid conservation, physicochemical variation, residue mobility, and thermodynamic stability) performed at Invitae indicates that this missense variant is not expected to disrupt AXIN2 protein function with a negative predictive value of 80%. In summary, the available evidence is currently insufficient to determine the role of this variant in disease. Therefore, it has been classified as a Variant of Uncertain Significance.